The following is an entry in ClinVar:

NM_001145809.2(MYH14):c.723G>C (p.Glu241Asp)

Gene: MYH14 (myosin heavy chain 14; plus strand). Cytogenetic location: 19q13.33.
Variant type: single nucleotide variant.
Coding change: c.723G>C on transcript NM_001145809.2 (MANE Select); coding-DNA position 723, G replaced by C.
Protein change: p.Glu241Asp; replaces glutamic acid 241 with aspartic acid.
Molecular consequence: missense variant.
Genome position (GRCh38, 1-based): chr19:50,225,590, G>C. VCF-style: chr19-50225590-G-C. GRCh37 (hg19) VCF-style: chr19-50728847-G-C.
Other names: c.723G>C, p.Glu241Asp (NM_001077186.2); c.699G>C, p.Glu233Asp (NM_024729.4); short protein forms E233D, E241D.
Identifiers: ClinVar variation 3009314 (VCV003009314.3), dbSNP rs1419656939, ClinGen allele CA406951628.

ClinVar aggregate classification (germline): Uncertain significance (1 of 4 stars; one submission).

Allele frequency attached by ClinVar (database versions not stated): gnomAD exomes below 0.00001; TOPMed below 0.00001.
gnomAD v4.1: 2 of 1,613,162 alleles (0.00012%); highest among the groups gnomAD compares: Admixed American, 0.0033%; no homozygotes.

Submission:

Labcorp Genetics (formerly Invitae), Labcorp
Classification: Uncertain significance. Last evaluated: 2024-05-06. Review status: criteria provided, single submitter. Criteria: Invitae Variant Classification Sherloc (09022015). Collection method: clinical testing. Allele origin: germline.
Comment: This sequence change replaces glutamic acid, which is acidic and polar, with aspartic acid, which is acidic and polar, at codon 233 of the MYH14 protein (p.Glu233Asp). This variant is present in population databases (no rsID available, gnomAD 0.006%). This variant has not been reported in the literature in individuals affected with MYH14-related conditions. Advanced modeling of protein sequence and biophysical properties (such as structural, functional, and spatial information, amino acid conservation, physicochemical variation, residue mobility, and thermodynamic stability) performed at Invitae indicates that this missense variant is expected to disrupt MYH14 protein function with a positive predictive value of 80%. In summary, the available evidence is currently insufficient to determine the role of this variant in disease. Therefore, it has been classified as a Variant of Uncertain Significance.